The following is an entry in ClinVar:

NM_007294.4(BRCA1):c.5154G>A (p.Trp1718Ter)

Gene: BRCA1 (BRCA1 DNA repair associated; minus strand). Cytogenetic location: 17q21.31.
Variant type: single nucleotide variant.
Coding change: c.5154G>A on transcript NM_007294.4 (MANE Select); coding-DNA position 5154, G replaced by A.
Protein change: p.Trp1718Ter; replaces tryptophan 1718 with a stop codon.
Molecular consequence: nonsense. On other transcripts: synonymous variant (2), non-coding transcript variant (1).
Genome position (GRCh38, 1-based): chr17:43,063,372, C>T on the plus strand (G>A on the coding strand, the complement: BRCA1 is on the minus strand). VCF-style: chr17-43063372-C-T. GRCh37 (hg19) VCF-style: chr17-41215389-C-T.
Other names: p.W1718*:TGG>TGA; 5273G>A; c.5013G>A, p.Trp1671Ter (NM_001407695.1, NM_001407696.1, NM_001407697.1 and 13 more transcripts); c.5151G>A, p.Trp1717Ter (NM_001407615.1, NM_001407616.1, NM_001407617.1 and 17 more transcripts); c.5148G>A, p.Trp1716Ter (NM_001407634.1, NM_001407635.1, NM_001407636.1 and 14 more transcripts); c.5145G>A, p.Trp1715Ter (NM_001407644.1, NM_001407645.1); c.5073G>A, p.Trp1691Ter (NM_001407656.1, NM_001407657.1, NM_001407658.1); c.5070G>A, p.Trp1690Ter (NM_001407659.1, NM_001407660.1, NM_001407661.1 and 2 more transcripts); and 75 more; short protein forms W1718*, W614*, W1739*, W1671*, W1606*, W1607*, W1628*, W1647*.
Identifiers: ClinVar variation 55434 (VCV000055434.29), dbSNP rs80357239, ClinGen allele CA003306.

ClinVar aggregate classification (germline): Pathogenic. Review status: reviewed by expert panel (3 of 4 stars). 17 submissions from 17 submitters: Pathogenic (1). 16 of the submissions do not count toward it. Last evaluated 2016-09-08.

Conditions:
Hereditary cancer-predisposing syndrome. Also called: Hereditary Cancer Syndrome; Hereditary neoplastic syndrome; Neoplastic Syndromes, Hereditary; Tumor predisposition. Identifiers: Orphanet 140162, MedGen C0027672, MeSH D009386, MONDO:0015356.
Breast-ovarian cancer, familial, susceptibility to, 1 (BROVCA1). Also called: BRCA1 Hereditary Breast and Ovarian Cancer; OVARIAN CANCER, SUSCEPTIBILITY TO. Identifiers: Orphanet 145, MedGen C2676676, MONDO:0011450, OMIM 604370. Disease mechanism: loss of function.
Malignant tumor of breast. Also called: Cancer breast; Malignant breast neoplasm. Identifiers: MedGen C0006142, MONDO:0007254. Disease mechanism: loss of function.
Hereditary breast ovarian cancer syndrome. Also called: BRCA1- and BRCA2-Associated Hereditary Breast and Ovarian Cancer; Hereditary breast and ovarian cancer syndrome; Hereditary breast and ovarian cancer syndrome (HBOC); Breast and ovarian cancer; Hereditary breast and/or ovarian cancer syndrome; Hereditary breast and ovarian cancer. Identifiers: Orphanet 145, MedGen C0677776, MeSH D061325, MONDO:0003582. Disease mechanism: loss of function.

Submissions 1 to 10 of 18:

Evidence-based Network for the Interpretation of Germline Mutant Alleles (ENIGMA)
Classification: Pathogenic for Breast-ovarian cancer, familial, susceptibility to, 1. Last evaluated: 2016-09-08. Review status: reviewed by expert panel. Criteria: ENIGMA BRCA1/2 Classification Criteria (2015). Collection method: curation. Allele origin: germline.
Comment: Variant allele predicted to encode a truncated non-functional protein.

Quest Diagnostics Nichols Institute San Juan Capistrano
Classification: Pathogenic. Last evaluated: 2025-03-13. Review status: criteria provided, single submitter. Criteria: Quest Diagnostics criteria. Collection method: clinical testing. Allele origin: unknown. Not counted in ClinVar's aggregate classification.
Comment: The BRCA1 c.5154G>A (p.Trp1718*) variant causes the premature termination of BRCA1 protein synthesis. This variant has been reported in the published literature in individuals and families affected with breast and/or ovarian cancer (PMID: 26848529 (2016), 26852015 (2016), 34254208 (2021)). It has also been described to be a founder variant in the Chinese population (PMID: 26852015 (2016), 36385461 (2023)). This variant has not been reported in large, multi-ethnic general populations (Genome Aggregation Database). Based on the available information, this variant is classified as pathogenic.

Molecular Diagnostics Laboratory, Catalan Institute of Oncology
Classification: Pathogenic for Hereditary cancer-predisposing syndrome. Last evaluated: 2024-08-28. Review status: criteria provided, single submitter. Criteria: ClinGen BRCA1BRCA2 ACMG Specifications BRCA1 V1.0.0. Collection method: clinical testing. Allele origin: germline. Not counted in ClinVar's aggregate classification.
Comment: PVS1, PS3, PM5_PTC_Strong, PM2_Supporting c.5154G>A, located in exon 18 (19 according BIC nomenclature) of the BRCA1 gene, is a nonsense variant expected to result in loss of function by premature protein truncation and nonsense-mediated mRNA decay, p.(Trp1718*)(PVS1, PM5_PTC_Strong). No effect is predicted on splicing by SpliceAI. It is not present in the population database gnomAD v2.1.1, non cancer dataset (PM2_Supporting). Reported by one calibrated study to affect protein function similar to pathogenic control variants (PMID:30209399) (PS3). To our knowledge, no relevant clinical data has been reported for this variant. In addition, the variant was also identified in the following databases: BRCA Exchange (pathogenic: “Variant allele predicted to encode a truncated non-functional protein”), ClinVar (14x pathogenic) and LOVD (7x pathogenic). Reported by one calibrated study to affect protein function similar to pathogenic control variants (PMID:30209399) (PS3). Based on currently available information, c.5154G>A is classified as a pathogenic variant according to ClinGen-BRCA1 Guidelines version v1.0.0.

GeneDx
Classification: Pathogenic. Last evaluated: 2024-04-09. Review status: criteria provided, single submitter. Criteria: GeneDx Variant Classification Process June 2021. Collection method: clinical testing. Allele origin: germline. Affected: yes. Not counted in ClinVar's aggregate classification.
Comment: Nonsense variant predicted to result in protein truncation or nonsense mediated decay in a gene for which loss of function is a known mechanism of disease; Truncating variants in this gene are considered pathogenic by a well-established clinical consortium and/or database; Not observed at significant frequency in large population cohorts (gnomAD); Also known as 5273G>A; This variant is associated with the following publications: (PMID: 29884136, 30702160, 31589614, 29446198, 25525159, 30078507, 34254208, 9333265, 30209399, 30720863, 23175448)

Myriad Genetics, Inc.
Classification: Pathogenic for Breast-ovarian cancer, familial, susceptibility to, 1. Last evaluated: 2024-01-03. Review status: criteria provided, single submitter. Criteria: Myriad Autosomal Dominant, Autosomal Recessive and X-Linked Classification Criteria (2023). Collection method: clinical testing. Allele origin: unknown. Not counted in ClinVar's aggregate classification.
Comment: This variant is considered pathogenic. This variant creates a termination codon and is predicted to result in premature protein truncation.

Ambry Genetics
Classification: Pathogenic for Hereditary cancer-predisposing syndrome. Last evaluated: 2023-09-18. Review status: criteria provided, single submitter. Criteria: Ambry Variant Classification Scheme 2023. Collection method: clinical testing. Allele origin: germline. Not counted in ClinVar's aggregate classification.
Comment: The p.W1718* pathogenic mutation (also known as c.5154G>A), located in coding exon 17 of the BRCA1 gene, results from a G to A substitution at nucleotide position 5154. This changes the amino acid from a tryptophan to a stop codon within coding exon 17. This variant is considered to be rare based on population cohorts in the Genome Aggregation Database (gnomAD). This alteration was detected in 1/798 individuals thought to be at elevated risk for a BRCA1 mutation based on personal and/or family history (Shattuck-Eidens D et al. JAMA, 1997 Oct;278:1242-50). It was also seen in two Chinese patients with personal and family histories of breast cancer (Cao W et al. Anat Rec (Hoboken), 2013 Feb;296:273-8). Of note, this alteration is also known as 5273G>A. In addition to the clinical data presented in the literature, this alteration is expected to result in loss of function by premature protein truncation or nonsense-mediated mRNA decay. As such, this alteration is interpreted as a disease-causing mutation.

Labcorp Genetics (formerly Invitae), Labcorp
Classification: Pathogenic for Hereditary breast ovarian cancer syndrome. Last evaluated: 2023-07-17. Review status: criteria provided, single submitter. Criteria: Invitae Variant Classification Sherloc (09022015). Collection method: clinical testing. Allele origin: germline. Not counted in ClinVar's aggregate classification.
Comment: For these reasons, this variant has been classified as Pathogenic. ClinVar contains an entry for this variant (Variation ID: 55434). This variant is also known as 5273G>A. This premature translational stop signal has been observed in individual(s) with personal and/or family history of hereditary breast and ovarian cancer (PMID: 9333265, 30720863). This variant is not present in population databases (gnomAD no frequency). This sequence change creates a premature translational stop signal (p.Trp1718*) in the BRCA1 gene. It is expected to result in an absent or disrupted protein product. Loss-of-function variants in BRCA1 are known to be pathogenic (PMID: 20104584).

Baylor Genetics
Classification: Pathogenic for Breast-ovarian cancer, familial, susceptibility to, 1. Last evaluated: 2023-04-07. Review status: criteria provided, single submitter. Criteria: ACMG Guidelines, 2015. Collection method: clinical testing. Allele origin: unknown. Not counted in ClinVar's aggregate classification.

Color Diagnostics, LLC DBA Color Health
Classification: Pathogenic for Hereditary cancer-predisposing syndrome. Last evaluated: 2020-01-15. Review status: criteria provided, single submitter. Criteria: ACMG Guidelines, 2015. Collection method: clinical testing. Allele origin: germline. Not counted in ClinVar's aggregate classification.
Comment: This variant is located in the BRCA1 protein. Splice site prediction tools suggest that this variant may not impact RNA splicing. This variant has not been identified in the general population by the Genome Aggregation Database (gnomAD). Loss of BRCA1 function is a known mechanism of disease. Based on the available evidence, this variant is classified as Pathogenic.

Women's Health and Genetics/Laboratory Corporation of America, LabCorp
Classification: Pathogenic for Hereditary breast and ovarian cancer syndrome. Last evaluated: 2018-11-29. Review status: criteria provided, single submitter. Criteria: LabCorp Variant Classification Summary - May 2015. Collection method: clinical testing. Allele origin: germline. Not counted in ClinVar's aggregate classification.
Comment: Variant summary: The BRCA1 c.5154G>A (p.Trp1718X) results in a premature termination codon, predicted to cause a truncation of the encoded protein or absence of the protein due to nonsense mediated decay, which are commonly known mechanisms for disease. The variant was absent in 245724 control chromosomes (gonmAD) and has been reported in the literature in multiple individuals affected with Hereditary Breast and Ovarian Cancer (Cao_2016, Li_2018, Jimenez _2013). These data indicate that the variant is very likely to be associated with disease. Four clinical diagnostic laboratories have submitted clinical-significance assessments for this variant to ClinVar after 2014 without evidence for independent evaluation. All laboratories classified the variant as pathogenic. Based on the evidence outlined above, the variant was classified as pathogenic.